The following is an entry in ClinVar:

ClinVar aggregate classification (germline): Pathogenic. Review status: reviewed by expert panel (3 of 4 stars). 7 submissions from 7 submitters: Pathogenic (1). 6 of the submissions do not count toward it. Last evaluated 2016-10-18.

Conditions:
Hereditary cancer-predisposing syndrome. Also called: Tumor predisposition; Hereditary neoplastic syndrome; Neoplastic Syndromes, Hereditary; Hereditary Cancer Syndrome. Identifiers: Orphanet 140162, MedGen C0027672, MeSH D009386, MONDO:0015356.
Hereditary breast ovarian cancer syndrome. Also called: Hereditary breast and ovarian cancer; Hereditary breast and/or ovarian cancer syndrome; Breast and ovarian cancer; Hereditary breast and ovarian cancer syndrome; BRCA1- and BRCA2-Associated Hereditary Breast and Ovarian Cancer; Hereditary breast and ovarian cancer syndrome (HBOC). Identifiers: Orphanet 145, MedGen C0677776, MeSH D061325, MONDO:0003582. Disease mechanism: loss of function.
Breast-ovarian cancer, familial, susceptibility to, 2 (BROVCA2). Also called: BRCA2 Hereditary Breast and Ovarian Cancer. Identifiers: Orphanet 145, MedGen C2675520, MONDO:0012933, OMIM 612555. Disease mechanism: loss of function.

Submissions (7):

Evidence-based Network for the Interpretation of Germline Mutant Alleles (ENIGMA)
Classification: Pathogenic for Breast-ovarian cancer, familial, susceptibility to, 2. Last evaluated: 2016-10-18. Review status: reviewed by expert panel. Criteria: ENIGMA BRCA1/2 Classification Criteria (2015). Collection method: curation. Allele origin: germline.
Comment: Variant allele predicted to encode a truncated non-functional protein.

Greenwood Genetic Center Diagnostic Laboratories, Greenwood Genetic Center
Classification: Pathogenic for Breast-ovarian cancer, familial, susceptibility to, 2. Last evaluated: 2026-04-17. Review status: criteria provided, single submitter. Criteria: ACMG Guidelines, 2015. Collection method: clinical testing. Allele origin: germline. Not counted in ClinVar's aggregate classification.
Comment: PVS1, PS4, PM2

Labcorp Genetics (formerly Invitae), Labcorp
Classification: Pathogenic for Hereditary breast ovarian cancer syndrome. Last evaluated: 2025-07-27. Review status: criteria provided, single submitter. Criteria: Invitae Variant Classification Sherloc (09022015). Collection method: clinical testing. Allele origin: germline. Not counted in ClinVar's aggregate classification.
Comment: This sequence change creates a premature translational stop signal (p.Cys676Phefs*2) in the BRCA2 gene. It is expected to result in an absent or disrupted protein product. Loss-of-function variants in BRCA2 are known to be pathogenic (PMID: 20104584). This variant is not present in population databases (gnomAD no frequency). This premature translational stop signal has been observed in individual(s) with breast cancer and/or ovarian cancer (PMID: 28724667, 29446198, 30702160). ClinVar contains an entry for this variant (Variation ID: 266674). For these reasons, this variant has been classified as Pathogenic.

Center for Genomic Medicine, Rigshospitalet, Copenhagen University Hospital
Classification: Pathogenic. Last evaluated: 2025-03-04. Review status: criteria provided, single submitter. Criteria: ACMG Guidelines, 2015. Collection method: clinical testing. Allele origin: germline. Not counted in ClinVar's aggregate classification.

Ambry Genetics
Classification: Pathogenic for Hereditary cancer-predisposing syndrome. Last evaluated: 2021-08-30. Review status: criteria provided, single submitter. Criteria: Ambry Variant Classification Scheme 2023. Collection method: clinical testing. Allele origin: germline. Not counted in ClinVar's aggregate classification.
Comment: The c.2025_2026delAT pathogenic mutation, located in coding exon 10 of the BRCA2 gene, results from a deletion of two nucleotides at nucleotide positions 2025 to 2026, causing a translational frameshift with a predicted alternate stop codon (p.C676Ffs*2). This alteration was detected in a cohort of 8085 consecutive unselected Chinese breast cancer patients who underwent multi-gene panel testing (Sun J et al. Clin Cancer Res, 2017 Oct;23:6113-6119). This alteration was also identified in a large, worldwide study of BRCA1/2 mutation positive families (Rebbeck TR et al. Hum Mutat, 2018 05;39:593-620). This variant is considered to be rare based on population cohorts in the Genome Aggregation Database (gnomAD). In addition to the clinical data presented in the literature, this alteration is expected to result in loss of function by premature protein truncation or nonsense-mediated mRNA decay. As such, this alteration is interpreted as a disease-causing mutation.

Color Diagnostics, LLC DBA Color Health
Classification: Pathogenic for Hereditary cancer-predisposing syndrome. Last evaluated: 2020-01-15. Review status: criteria provided, single submitter. Criteria: ACMG Guidelines, 2015. Collection method: clinical testing. Allele origin: germline. Not counted in ClinVar's aggregate classification.
Comment: This variant deletes 2 nucleotides in exon 11 of the BRCA2 gene, creating a frameshift and premature translation stop signal. This variant is expected to result in an absent or non-functional protein product. This variant has not been identified in the general population by the Genome Aggregation Database (gnomAD). Loss of BRCA2 function is a known mechanism of disease. Based on the available evidence, this variant is classified as Pathogenic.

Consortium of Investigators of Modifiers of BRCA1/2 (CIMBA), c/o University of Cambridge
Classification: Pathogenic for Breast-ovarian cancer, familial, susceptibility to, 2. Last evaluated: 2015-10-02. Review status: criteria provided, single submitter. Criteria: CIMBA Mutation Classification guidelines May 2016. Collection method: clinical testing. Allele origin: germline. Not counted in ClinVar's aggregate classification.

Literature cited by the submitters: PubMed 20104584 (cited by Labcorp Genetics (formerly Invitae), Labcorp); PubMed 28724667 (cited by Labcorp Genetics (formerly Invitae), Labcorp and Ambry Genetics); PubMed 29446198 (cited by Labcorp Genetics (formerly Invitae), Labcorp and Ambry Genetics); PubMed 30702160 (cited by Labcorp Genetics (formerly Invitae), Labcorp).

NM_000059.4(BRCA2):c.2025_2026del (p.Cys676fs)

Gene: BRCA2 (BRCA2 DNA repair associated; plus strand). Cytogenetic location: 13q13.1.
Variant type: Deletion.
Coding change: c.2025_2026del on transcript NM_000059.4 (MANE Select); coding-DNA positions 2025 to 2026, 2 bases deleted (AT; older notation c.2025_2026delAT).
Protein change: p.Cys676fs; shifts the reading frame from cysteine 676.
Molecular consequence: frameshift variant.
Genome position (GRCh38, 1-based): chr13:32,336,380-32,336,381, AT deleted. VCF-style (leftmost placement, unchanged base first): chr13-32336379-CAT-C. GRCh37 (hg19) VCF-style: chr13-32910516-CAT-C.
Other names: 2253_2254delAT; c.2025_2026delAT (NM_000059.3); short protein forms C676fs.
Identifiers: ClinVar variation 266674 (VCV000266674.23), dbSNP rs886040402, ClinGen allele CA10589132.